The following is an entry in ClinVar:

ClinVar aggregate classification (germline): Pathogenic (1 of 4 stars; one submission).

Conditions:
Neurofibromatosis, type 1 (NF1). Also called: NEUROFIBROMATOSIS, TYPE I, SOMATIC; Neurofibromatosis, type I; Peripheral type neurofibromatosis; VON RECKLINGHAUSEN DISEASE. Identifiers: Orphanet 636, MedGen C0027831, MONDO:0018975, OMIM 162200. Disease mechanism: loss of function.

Submission:

Labcorp Genetics (formerly Invitae), Labcorp
Classification: Pathogenic for Neurofibromatosis, type 1. Last evaluated: 2022-03-29. Review status: criteria provided, single submitter. Criteria: Invitae Variant Classification Sherloc (09022015). Collection method: clinical testing. Allele origin: germline.
Comment: For these reasons, this variant has been classified as Pathogenic. This variant has not been reported in the literature in individuals affected with NF1-related conditions. This variant is not present in population databases (gnomAD no frequency). This sequence change creates a premature translational stop signal (p.Phe1446Leufs*5) in the NF1 gene. It is expected to result in an absent or disrupted protein product. Loss-of-function variants in NF1 are known to be pathogenic (PMID: 10712197, 23913538).

Literature cited by the submitters: PubMed 10712197; PubMed 23913538.

NM_001042492.3(NF1):c.4385_4400dup (p.Phe1467delinsLeuAlaPheGlnTer)

Gene: NF1 (neurofibromin 1; plus strand). Cytogenetic location: 17q11.2.
Variant type: Duplication.
Coding change: c.4385_4400dup on transcript NM_001042492.3 (MANE Select); coding-DNA positions 4385 to 4400, 16 bases duplicated (GGCCTTTCAATGATTT).
Protein change: p.Phe1467delinsLeuAlaPheGlnTer.
Molecular consequence: nonsense. On other transcripts: frameshift variant (1).
Genome position (GRCh38, 1-based): chr17:31,259,084-31,259,099, GGCCTTTCAATGATTT duplicated. VCF-style (leftmost placement, unchanged base first): chr17-31259083-C-CGGCCTTTCAATGATTT. GRCh37 (hg19) VCF-style: chr17-29586101-C-CGGCCTTTCAATGATTT.
Other names: c.4322_4337dup, p.Phe1446Leufs (NM_000267.4).
Identifiers: ClinVar variation 2118914 (VCV002118914.4), dbSNP rs2508413974, ClinGen allele CA2580093033.